The following is an entry in ClinVar:

NM_001113491.2(SEPTIN9):c.673C>G (p.Pro225Ala)

Gene: SEPTIN9 (septin 9; plus strand). Cytogenetic location: 17q25.3.
Variant type: single nucleotide variant.
Coding change: c.673C>G on transcript NM_001113491.2 (MANE Select); coding-DNA position 673, C replaced by G.
Protein change: p.Pro225Ala; replaces proline 225 with alanine.
Molecular consequence: missense variant.
Genome position (GRCh38, 1-based): chr17:77,402,655, C>G. VCF-style: chr17-77402655-C-G. GRCh37 (hg19) VCF-style: chr17-75398737-C-G.
Other names: c.181C>G, p.Pro61Ala (NM_001113494.1, NM_001113492.2); c.616C>G, p.Pro206Ala (NM_001293695.2); c.619C>G, p.Pro207Ala (NM_006640.5); c.652C>G, p.Pro218Ala (NM_001113493.2); short protein forms P206A, P207A, P218A, P225A, P61A.
Identifiers: ClinVar variation 2718335 (VCV002718335.3), dbSNP rs2035941603, ClinGen allele CA401206644.

ClinVar aggregate classification (germline): Uncertain significance (1 of 4 stars; one submission).

Submission:

Labcorp Genetics (formerly Invitae), Labcorp
Classification: Uncertain significance. Last evaluated: 2023-06-17. Review status: criteria provided, single submitter. Criteria: Invitae Variant Classification Sherloc (09022015). Collection method: clinical testing. Allele origin: germline.
Comment: In summary, the available evidence is currently insufficient to determine the role of this variant in disease. Therefore, it has been classified as a Variant of Uncertain Significance. Advanced modeling of protein sequence and biophysical properties (such as structural, functional, and spatial information, amino acid conservation, physicochemical variation, residue mobility, and thermodynamic stability) performed at Invitae indicates that this missense variant is not expected to disrupt SEPT9 protein function. This variant has not been reported in the literature in individuals affected with SEPT9-related conditions. This variant is not present in population databases (gnomAD no frequency). This sequence change replaces proline, which is neutral and non-polar, with alanine, which is neutral and non-polar, at codon 207 of the SEPT9 protein (p.Pro207Ala).